The following is an entry in ClinVar:

NM_206933.4(USH2A):c.13215C>A (p.Cys4405Ter)

Gene: USH2A (usherin; minus strand). Cytogenetic location: 1q41.
Variant type: single nucleotide variant.
Coding change: c.13215C>A on transcript NM_206933.4 (MANE Select); coding-DNA position 13215, C replaced by A.
Protein change: p.Cys4405Ter; replaces cysteine 4405 with a stop codon.
Molecular consequence: nonsense.
Genome position (GRCh38, 1-based): chr1:215,674,696, G>T on the plus strand (C>A on the coding strand, the complement: USH2A is on the minus strand). VCF-style: chr1-215674696-G-T. GRCh37 (hg19) VCF-style: chr1-215848038-G-T.
Other names: short protein forms C4405*.
Identifiers: ClinVar variation 1073360 (VCV001073360.9), dbSNP rs370176892, ClinGen allele CA1393330.
Genomic context (GRCh38, chr1:215,674,696, plus strand): 5'-CGTGCAGGCTACAAGGGAGAAGTTATACTGAGAGTAAGGCTGCAGGTGGGAAACCAGCAG[G>T]CACAGGCCCTGGCCAGCAAGGGACTCTTTATTATCATATCTAACTAAATATTTAGTAATC-3'

ClinVar aggregate classification (germline): Pathogenic/Likely pathogenic. Review status: criteria provided, multiple submitters, no conflicts (2 of 4 stars). 2 submissions from 2 submitters: Pathogenic (1); Likely pathogenic (1). Last evaluated 2024-12-26.

Conditions:
Retinitis pigmentosa 39 (RP39). Identifiers: Orphanet 791, MedGen C3151138, MONDO:0013436, OMIM 613809.

gnomAD v4.1: 2 of 1,613,970 alleles (0.00012%); highest among the groups gnomAD compares: African/African-American, 0.0013%; no homozygotes.

Submissions (2):

Labcorp Genetics (formerly Invitae), Labcorp
Classification: Pathogenic. Last evaluated: 2024-12-26. Review status: criteria provided, single submitter. Criteria: Invitae Variant Classification Sherloc (09022015). Collection method: clinical testing. Allele origin: germline.
Comment: This sequence change creates a premature translational stop signal (p.Cys4405*) in the USH2A gene. It is expected to result in an absent or disrupted protein product. Loss-of-function variants in USH2A are known to be pathogenic (PMID: 10729113, 10909849, 20507924, 25649381). This variant is present in population databases (rs370176892, gnomAD 0.007%). This variant has not been reported in the literature in individuals affected with USH2A-related conditions. ClinVar contains an entry for this variant (Variation ID: 1073360). For these reasons, this variant has been classified as Pathogenic.

Baylor Genetics
Classification: Likely pathogenic for Retinitis pigmentosa 39. Last evaluated: 2024-03-07. Review status: criteria provided, single submitter. Criteria: ACMG Guidelines, 2015. Collection method: clinical testing. Allele origin: unknown.

Literature cited by the submitters: PubMed 10729113 (cited by Labcorp Genetics (formerly Invitae), Labcorp); PubMed 10909849 (cited by Labcorp Genetics (formerly Invitae), Labcorp); PubMed 20507924 (cited by Labcorp Genetics (formerly Invitae), Labcorp); PubMed 25649381 (cited by Labcorp Genetics (formerly Invitae), Labcorp).